The following is an entry in ClinVar:

NM_015331.3(NCSTN):c.1155G>C (p.Gln385His)

Gene: NCSTN (nicastrin; plus strand). Cytogenetic location: 1q23.2.
Variant type: single nucleotide variant.
Coding change: c.1155G>C on transcript NM_015331.3 (MANE Select); coding-DNA position 1155, G replaced by C.
Protein change: p.Gln385His; replaces glutamine 385 with histidine.
Molecular consequence: missense variant.
Genome position (GRCh38, 1-based): chr1:160,353,213, G>C. VCF-style: chr1-160353213-G-C. GRCh37 (hg19) VCF-style: chr1-160323003-G-C.
Other names: c.1095G>C, p.Gln365His (NM_001290184.2); c.741G>C, p.Gln247His (NM_001290186.2); c.1155G>C, p.Gln385His (NM_001349729.2); short protein forms Q365H, Q247H, Q385H.
Identifiers: ClinVar variation 2096243 (VCV002096243.4), dbSNP rs1381883543, ClinGen allele CA343281184.

ClinVar aggregate classification (germline): Uncertain significance (1 of 4 stars; one submission).

Allele frequency attached by ClinVar (database versions not stated): TOPMed below 0.00001; gnomAD exomes 0.00001.
gnomAD v4.1: 8 of 1,614,086 alleles (0.0005%); highest among the groups gnomAD compares: Non-Finnish European, 0.00068%; no homozygotes.

Submission:

Labcorp Genetics (formerly Invitae), Labcorp
Classification: Uncertain significance. Last evaluated: 2022-02-21. Review status: criteria provided, single submitter. Criteria: Invitae Variant Classification Sherloc (09022015). Collection method: clinical testing. Allele origin: germline.
Comment: This sequence change replaces glutamine, which is neutral and polar, with histidine, which is basic and polar, at codon 385 of the NCSTN protein (p.Gln385His). This variant is present in population databases (no rsID available, gnomAD 0.002%). This variant has not been reported in the literature in individuals affected with NCSTN-related conditions. Algorithms developed to predict the effect of missense changes on protein structure and function are either unavailable or do not agree on the potential impact of this missense change (SIFT: "Tolerated"; PolyPhen-2: "Possibly Damaging"; Align-GVGD: "Class C0"). In summary, the available evidence is currently insufficient to determine the role of this variant in disease. Therefore, it has been classified as a Variant of Uncertain Significance.